The following is an entry in ClinVar:

NM_000246.4(CIITA):c.2677G>A (p.Val893Met)

Gene: CIITA (class II major histocompatibility complex transactivator; plus strand). Cytogenetic location: 16p13.13.
Variant type: single nucleotide variant.
Coding change: c.2677G>A on transcript NM_000246.4 (MANE Select); coding-DNA position 2677, G replaced by A.
Protein change: p.Val893Met; replaces valine 893 with methionine.
Molecular consequence: missense variant.
Genome position (GRCh38, 1-based): chr16:10,909,048, G>A. VCF-style: chr16-10909048-G-A. GRCh37 (hg19) VCF-style: chr16-11002905-G-A.
Other names: c.2680G>A, p.Val894Met (NM_001286402.1, NM_001379332.1); c.925G>A, p.Val309Met (NM_001286403.2); c.2533G>A, p.Val845Met (NM_001379330.1); c.2530G>A, p.Val844Met (NM_001379331.1); c.2677G>A, p.Val893Met (NM_001379333.1); c.2608G>A, p.Val870Met (NM_001379334.1); short protein forms V309M, V844M, V870M, V893M, V845M, V894M.
Identifiers: ClinVar variation 1503740 (VCV001503740.5), dbSNP rs1465075738, ClinGen allele CA394734709.

ClinVar aggregate classification (germline): Uncertain significance (1 of 4 stars; one submission).

Conditions:
MHC class II deficiency. Also called: Bare lymphocyte syndrome 2; BLS, TYPE II. Identifiers: Orphanet 572, MedGen C5447452, MONDO:0008855.

Allele frequency attached by ClinVar (database versions not stated): gnomAD exomes below 0.00001; TOPMed below 0.00001.

Submission:

Labcorp Genetics (formerly Invitae), Labcorp
Classification: Uncertain significance for MHC class II deficiency. Last evaluated: 2022-08-19. Review status: criteria provided, single submitter. Criteria: Invitae Variant Classification Sherloc (09022015). Collection method: clinical testing. Allele origin: germline.
Comment: This sequence change replaces valine, which is neutral and non-polar, with methionine, which is neutral and non-polar, at codon 893 of the CIITA protein (p.Val893Met). This variant is present in population databases (no rsID available, gnomAD 0.0009%). This variant has not been reported in the literature in individuals affected with CIITA-related conditions. ClinVar contains an entry for this variant (Variation ID: 1503740). Algorithms developed to predict the effect of missense changes on protein structure and function output the following: SIFT: "Tolerated"; PolyPhen-2: "Benign"; Align-GVGD: "Class C0". The methionine amino acid residue is found in multiple mammalian species, which suggests that this missense change does not adversely affect protein function. In summary, the available evidence is currently insufficient to determine the role of this variant in disease. Therefore, it has been classified as a Variant of Uncertain Significance.